The following is an entry in ClinVar:

ClinVar aggregate classification (germline): Uncertain significance (1 of 4 stars; one submission).

Submission:

GeneDx
Classification: Uncertain significance. Last evaluated: 2024-09-26. Review status: criteria provided, single submitter. Criteria: GeneDx Variant Classification Process June 2021. Collection method: clinical testing. Allele origin: germline. Affected: yes.
Comment: Not observed at significant frequency in large population cohorts (gnomAD); In silico analysis supports that this missense variant has a deleterious effect on protein structure/function; Has not been previously published as pathogenic or benign to our knowledge

NM_014516.4(CNOT3):c.1519T>C (p.Ser507Pro)

Gene: CNOT3 (CCR4-NOT transcription complex subunit 3; plus strand). Cytogenetic location: 19q13.42.
Variant type: single nucleotide variant.
Coding change: c.1519T>C on transcript NM_014516.4 (MANE Select); coding-DNA position 1519, T replaced by C.
Protein change: p.Ser507Pro; replaces serine 507 with proline.
Molecular consequence: missense variant.
Genome position (GRCh38, 1-based): chr19:54,149,672, T>C. VCF-style: chr19-54149672-T-C. GRCh37 (hg19) VCF-style: chr19-54653407-T-C.
Other names: short protein forms S507P.
Identifiers: ClinVar variation 3775007 (VCV003775007.1).
Genomic context (GRCh38, chr19:54,149,672, plus strand): 5'-TCAGGGAACAACTCAGGGGGACCCAGCCTCCTGGTGCCACTGCCTGTGAATCCTCCCAGC[T>C]CCCCAACGCCCAGCTTCAGTGATGCCAAGGCAGCCGGTGCCCTGCTCAATGGGCCTCCAC-3'
Protein context (NP_055331.1, residues 497-517): LVPLPVNPPS[Ser507Pro]PTPSFSDAKA